The following is an entry in ClinVar:

ClinVar aggregate classification (germline): Uncertain significance (1 of 4 stars; one submission).

Allele frequency attached by ClinVar (database versions not stated): TOPMed 0.00002; gnomAD 0.00003; gnomAD exomes 0.00003.
gnomAD v4.1: 49 of 1,541,940 alleles (0.0032%); highest among the groups gnomAD compares: Non-Finnish European, 0.0042%; 1 homozygote.

Submission:

Labcorp Genetics (formerly Invitae), Labcorp
Classification: Uncertain significance. Last evaluated: 2022-08-12. Review status: criteria provided, single submitter. Criteria: Invitae Variant Classification Sherloc (09022015). Collection method: clinical testing. Allele origin: germline.
Comment: This sequence change replaces histidine, which is basic and polar, with leucine, which is neutral and non-polar, at codon 604 of the CPLANE1 protein (p.His604Leu). In summary, the available evidence is currently insufficient to determine the role of this variant in disease. Therefore, it has been classified as a Variant of Uncertain Significance. Advanced modeling of protein sequence and biophysical properties (such as structural, functional, and spatial information, amino acid conservation, physicochemical variation, residue mobility, and thermodynamic stability) performed at Invitae indicates that this missense variant is expected to disrupt CPLANE1 protein function. This variant has not been reported in the literature in individuals affected with CPLANE1-related conditions. This variant is present in population databases (rs200550378, gnomAD 0.01%).

NM_001384732.1(CPLANE1):c.1811A>T (p.His604Leu)

Gene: CPLANE1 (ciliogenesis and planar polarity effector complex subunit 1; minus strand). Cytogenetic location: 5p13.2.
Variant type: single nucleotide variant.
Coding change: c.1811A>T on transcript NM_001384732.1 (MANE Select); coding-DNA position 1811, A replaced by T.
Protein change: p.His604Leu; replaces histidine 604 with leucine.
Molecular consequence: missense variant.
Genome position (GRCh38, 1-based): chr5:37,226,784, T>A on the plus strand (A>T on the coding strand, the complement: CPLANE1 is on the minus strand). VCF-style: chr5-37226784-T-A. GRCh37 (hg19) VCF-style: chr5-37226886-T-A.
Other names: c.1811A>T, p.His604Leu (NM_023073.4); short protein forms H604L.
Identifiers: ClinVar variation 2059308 (VCV002059308.2), dbSNP rs200550378, ClinGen allele CA117057672.